The following is an entry in ClinVar:

ClinVar aggregate classification (germline): Benign. Review status: criteria provided, multiple submitters, no conflicts (2 of 4 stars). 3 submissions from 3 submitters: Benign (2). 1 of the submissions does not count toward it. Last evaluated 2024-10-24.

Conditions:
PRR12-related disorder. Also called: PRR12-related condition.

Allele frequency attached by ClinVar (database versions not stated): gnomAD exomes 0.00017 and 0.00045; ExAC 0.00060; ESP Exome Variant Server 0.00101; gnomAD 0.00124 and 0.00125; TOPMed 0.00145; 1000 Genomes Project 30x 0.00219; 1000 Genomes Project 0.00240.
gnomAD v4.1: 453 of 1,595,568 alleles (0.028%); highest among the groups gnomAD compares: African/African-American, 0.4%; no homozygotes.

Submissions (3):

Blueprint Genetics
Classification: Benign. Last evaluated: 2024-10-24. Review status: criteria provided, single submitter. Criteria: ACMG Guidelines, 2015. Collection method: clinical testing. Allele origin: germline.

Labcorp Genetics (formerly Invitae), Labcorp
Classification: Benign. Last evaluated: 2018-05-09. Review status: criteria provided, single submitter. Criteria: Invitae Variant Classification Sherloc (09022015). Collection method: clinical testing. Allele origin: germline.

PreventionGenetics, part of Exact Sciences
Classification: Benign for PRR12-related condition. Last evaluated: 2023-12-20. Review status: no assertion criteria provided. Collection method: clinical testing. Allele origin: germline. Not counted in ClinVar's aggregate classification.
Comment: This variant is classified as benign based on ACMG/AMP sequence variant interpretation guidelines (Richards et al. 2015 PMID: 25741868, with internal and published modifications).

NM_020719.3(PRR12):c.2247C>T (p.Tyr749=)

Gene: PRR12 (proline rich 12; plus strand). Cytogenetic location: 19q13.33.
Variant type: single nucleotide variant.
Coding change: c.2247C>T on transcript NM_020719.3 (MANE Select); coding-DNA position 2247, C replaced by T.
Protein change: p.Tyr749=; no amino-acid change (tyrosine 749 retained).
Molecular consequence: synonymous variant.
Genome position (GRCh38, 1-based): chr19:49,596,582, C>T. VCF-style: chr19-49596582-C-T. GRCh37 (hg19) VCF-style: chr19-50099839-C-T.
Identifiers: ClinVar variation 725572 (VCV000725572.6), dbSNP rs369152968, ClinGen allele CA9578053.